The following is an entry in ClinVar:

ClinVar aggregate classification (germline): Conflicting classifications of pathogenicity. Review status: criteria provided, conflicting classifications (1 of 4 stars). 2 submissions from 2 submitters: Uncertain significance (1); Likely benign (1). Last evaluated 2025-08-01.

Conditions:
Dilated cardiomyopathy 1DD (CMD1DD). Identifiers: Orphanet 154, MedGen C2750995, MONDO:0013168, OMIM 613172.
Cardiovascular phenotype. Identifiers: MedGen CN230736.

Submissions (2):

Ambry Genetics
Classification: Likely benign for Cardiovascular phenotype. Last evaluated: 2025-08-01. Review status: criteria provided, single submitter. Criteria: Ambry Variant Classification Scheme 2023. Collection method: clinical testing. Allele origin: germline.

Labcorp Genetics (formerly Invitae), Labcorp
Classification: Uncertain significance for Dilated cardiomyopathy 1DD. Last evaluated: 2025-07-28. Review status: criteria provided, single submitter. Criteria: Invitae Variant Classification Sherloc (09022015). Collection method: clinical testing. Allele origin: germline.
Comment: This sequence change replaces aspartic acid, which is acidic and polar, with glycine, which is neutral and non-polar, at codon 1209 of the RBM20 protein (p.Asp1209Gly). This variant is not present in population databases (gnomAD no frequency). This variant has not been reported in the literature in individuals affected with RBM20-related conditions. Invitae Evidence Modeling of protein sequence and biophysical properties (such as structural, functional, and spatial information, amino acid conservation, physicochemical variation, residue mobility, and thermodynamic stability) indicates that this missense variant is not expected to disrupt RBM20 protein function with a negative predictive value of 95%. In summary, the available evidence is currently insufficient to determine the role of this variant in disease. Therefore, it has been classified as a Variant of Uncertain Significance.

NM_001134363.3(RBM20):c.3626A>G (p.Asp1209Gly)

Gene: RBM20 (RNA binding motif protein 20; plus strand). Cytogenetic location: 10q25.2.
Variant type: single nucleotide variant.
Coding change: c.3626A>G on transcript NM_001134363.3 (MANE Select); coding-DNA position 3626, A replaced by G.
Protein change: p.Asp1209Gly; replaces aspartic acid 1209 with glycine.
Molecular consequence: missense variant.
Genome position (GRCh38, 1-based): chr10:110,835,920, A>G. VCF-style: chr10-110835920-A-G. GRCh37 (hg19) VCF-style: chr10-112595678-A-G.
Other names: short protein forms D1209G.
Identifiers: ClinVar variation 4151609 (VCV004151609.2).
Genomic context (GRCh38, chr10:110,835,920, plus strand): 5'-TTCCACAGAAATATTTGTCCCAGCTGGCCGAGGAGGGCCTCAAGGAGACCGAGGGGGCAG[A>G]TAGCCCGAGGCCAGAGGACAGCGGAATCGTGCCACGCTTCGAAAGGAAAAAGCTCTGATG-3'
Protein context (NP_001127835.2, residues 1199-1219): EEGLKETEGA[Asp1209Gly]SPRPEDSGIV